The following is an entry in ClinVar:

ClinVar aggregate classification (germline): Conflicting classifications of pathogenicity. Review status: criteria provided, conflicting classifications (1 of 4 stars). 3 submissions from 3 submitters: Uncertain significance (1); Likely benign (2). Last evaluated 2026-04-27.

Conditions:
NEU1-related disorder. Also called: NEU1-related condition.
Sialidosis type 2. Also called: NEURAMINIDASE DEFICIENCY; GLYCOPROTEIN NEURAMINIDASE DEFICIENCY; LIPOMUCOPOLYSACCHARIDOSIS; ML I; NEU DEFICIENCY; NEUG DEFICIENCY. Identifiers: Orphanet 812, Orphanet 87876, MedGen C4282398, MONDO:0009738, OMIM 256550.

Allele frequency attached by ClinVar (database versions not stated): gnomAD exomes 0.00021 and 0.00007; ExAC 0.00004; gnomAD 0.00009; TOPMed 0.00011; ESP Exome Variant Server 0.00012.

Submissions (3):

PreventionGenetics, part of Exact Sciences
Classification: Likely benign for NEU1-related condition. Last evaluated: 2026-04-27. Review status: criteria provided, single submitter. Criteria: ACMG Guidelines, 2015. Collection method: clinical testing. Allele origin: germline.
Comment: This variant is classified as likely benign based on ACMG/AMP sequence variant interpretation guidelines (Richards et al. 2015 PMID: 25741868, with internal and published modifications).

Labcorp Genetics (formerly Invitae), Labcorp
Classification: Likely benign. Last evaluated: 2026-01-04. Review status: criteria provided, single submitter. Criteria: Invitae Variant Classification Sherloc (09022015). Collection method: clinical testing. Allele origin: germline.

Illumina Laboratory Services, Illumina
Classification: Uncertain significance for Sialidosis type 2. Last evaluated: 2018-01-12. Review status: criteria provided, single submitter. Criteria: ICSL Variant Classification Criteria 13 December 2019. Collection method: clinical testing. Allele origin: germline.

NM_000434.4(NEU1):c.1107C>A (p.Gly369=)

Gene: NEU1 (neuraminidase 1; minus strand). Cytogenetic location: 6p21.33.
Variant type: single nucleotide variant.
Coding change: c.1107C>A on transcript NM_000434.4 (MANE Select); coding-DNA position 1107, C replaced by A.
Protein change: p.Gly369=; no amino-acid change (glycine 369 retained).
Molecular consequence: synonymous variant.
Genome position (GRCh38, 1-based): chr6:31,859,860, G>T on the plus strand (C>A on the coding strand, the complement: NEU1 is on the minus strand). VCF-style: chr6-31859860-G-T. GRCh37 (hg19) VCF-style: chr6-31827637-G-T.
Identifiers: ClinVar variation 356230 (VCV000356230.13), dbSNP rs150864071, ClinGen allele CA3724874.